The following is an entry in ClinVar:

ClinVar aggregate classification (germline): Uncertain significance. Review status: criteria provided, multiple submitters, no conflicts (2 of 4 stars). 3 submissions from 3 submitters: Uncertain significance (3). Last evaluated 2026-05-10.

Conditions:
Cardiovascular phenotype. Identifiers: MedGen CN230736.
Hereditary cancer-predisposing syndrome. Also called: Tumor predisposition; Hereditary Cancer Syndrome; Hereditary neoplastic syndrome; Neoplastic Syndromes, Hereditary. Identifiers: Orphanet 140162, MedGen C0027672, MeSH D009386, MONDO:0015356.

Allele frequency attached by ClinVar (database versions not stated): gnomAD exomes below 0.00001.
gnomAD v4.1: 1 of 1,613,194 alleles (0.000062%); highest among the groups gnomAD compares: South Asian, 0.0011%; no homozygotes.

Submissions (3):

Ambry Genetics
Classification: Uncertain significance for Cardiovascular phenotype; Hereditary cancer-predisposing syndrome. Last evaluated: 2026-05-10. Review status: criteria provided, single submitter. Criteria: Ambry Variant Classification Scheme 2023. Collection method: clinical testing. Allele origin: germline.

Labcorp Genetics (formerly Invitae), Labcorp
Classification: Uncertain significance. Last evaluated: 2025-01-13. Review status: criteria provided, single submitter. Criteria: Invitae Variant Classification Sherloc (09022015). Collection method: clinical testing. Allele origin: germline.
Comment: This sequence change replaces valine, which is neutral and non-polar, with alanine, which is neutral and non-polar, at codon 629 of the LZTR1 protein (p.Val629Ala). This variant is not present in population databases (gnomAD no frequency). This variant has not been reported in the literature in individuals affected with LZTR1-related conditions. ClinVar contains an entry for this variant (Variation ID: 2433578). Invitae Evidence Modeling of protein sequence and biophysical properties (such as structural, functional, and spatial information, amino acid conservation, physicochemical variation, residue mobility, and thermodynamic stability) indicates that this missense variant is not expected to disrupt LZTR1 protein function with a negative predictive value of 80%. In summary, the available evidence is currently insufficient to determine the role of this variant in disease. Therefore, it has been classified as a Variant of Uncertain Significance.

Revvity Omics, Revvity
Classification: Uncertain significance. Last evaluated: 2022-11-23. Review status: criteria provided, single submitter. Criteria: ACMG Guidelines, 2015. Collection method: clinical testing. Allele origin: germline.

NM_006767.4(LZTR1):c.1886T>C (p.Val629Ala)

Gene: LZTR1 (leucine zipper like post translational regulator 1; plus strand). Cytogenetic location: 22q11.21.
Variant type: single nucleotide variant.
Coding change: c.1886T>C on transcript NM_006767.4 (MANE Select); coding-DNA position 1886, T replaced by C.
Protein change: p.Val629Ala; replaces valine 629 with alanine.
Molecular consequence: missense variant.
Genome position (GRCh38, 1-based): chr22:20,994,970, T>C. VCF-style: chr22-20994970-T-C. GRCh37 (hg19) VCF-style: chr22-21349259-T-C.
Other names: c.1886T>C (NM_006767.3); short protein forms V629A.
Identifiers: ClinVar variation 2433578 (VCV002433578.7), dbSNP rs1924776606, ClinGen allele CA410778666.